The following is an entry in ClinVar:

NM_001385079.1(PDE10A):c.1136T>C (p.Ile379Thr)

Gene: PDE10A (phosphodiesterase 10A; minus strand). Cytogenetic location: 6q27.
Variant type: single nucleotide variant.
Coding change: c.1136T>C on transcript NM_001385079.1 (MANE Select); coding-DNA position 1136, T replaced by C.
Protein change: p.Ile379Thr; replaces isoleucine 379 with threonine.
Molecular consequence: missense variant.
Genome position (GRCh38, 1-based): chr6:165,450,250, A>G on the plus strand (T>C on the coding strand, the complement: PDE10A is on the minus strand). VCF-style: chr6-165450250-A-G. GRCh37 (hg19) VCF-style: chr6-165863738-A-G.
Other names: c.338T>C, p.Ile113Thr (NM_001130690.3); c.308T>C, p.Ile103Thr (NM_006661.4); short protein forms I103T, I113T, I379T.
Identifiers: ClinVar variation 4279792 (VCV004279792.1).

ClinVar aggregate classification (germline): Uncertain significance (1 of 4 stars; one submission).

Conditions:
Infantile-onset generalized dyskinesia with orofacial involvement. Also called: Dyskinesia, limb and orofacial, infantile-onset. Identifiers: Orphanet 494526, MedGen C5567464, MONDO:0044637, OMIM 616921.
Striatal degeneration, autosomal dominant 2 (ADSD2). Identifiers: MedGen C4310791, MONDO:0014835, OMIM 616922.

Submission:

Clinical Genomics Laboratory, Washington University in St. Louis
Classification: Uncertain significance for Striatal degeneration, autosomal dominant 2; Infantile-onset generalized dyskinesia with orofacial involvement. Last evaluated: 2025-05-20. Review status: criteria provided, single submitter. Criteria: ACMG Guidelines, 2015. Collection method: clinical testing. Allele origin: germline.
Comment: The PDE10A c.1136T>C (p.Ile379Thr) variant, to our knowledge, has not been reported in the medical literature. This variant is absent from the general population (gnomAD v.4.1.0), indicating that it is not a common variant. This variant resides within the GAF-B domain (amino acids 266‚Äì422) of PDE10A that is defined as a critical functional domain associated with the autosomal dominant striatal degeneration phenotype (Bohlega S et al., PMID: 36805523). Computational predictors indicate that the variant is damaging, evidence that correlates with impact on PDE10A function. Due to limited information, and based on ACMG/AMP guidelines for variant interpretation (Richards S et al., PMID: 25741868), the clinical significance of this variant is uncertain at this time.